The following is an entry in ClinVar:

NM_000103.4(CYP19A1):c.743+36A>T

Genes: CYP19A1 (cytochrome P450 family 19 subfamily A member 1; minus strand), MIR4713HG (MIR4713 host gene; plus strand), PIRC66 (piwi-interacting RNA cluster 66; plus strand). Cytogenetic location: 15q21.2.
Variant type: single nucleotide variant.
Coding change: c.743+36A>T on transcript NM_000103.4 (MANE Select); 36 bases into the intron after coding-DNA position 743, A replaced by T.
Molecular consequence: intron variant.
Genome position (GRCh38, 1-based): chr15:51,218,505, T>A on the plus strand (A>T on the coding strand, the complement: CYP19A1 is on the minus strand). VCF-style: chr15-51218505-T-A. GRCh37 (hg19) VCF-style: chr15-51510702-T-A.
Other names: c.743+36A>T (NM_031226.3, NM_001347248.1, NM_001347249.2 and 7 more transcripts).
Identifiers: ClinVar variation 1168854 (VCV001168854.12), dbSNP rs1143704, ClinGen allele CA7559966.

ClinVar aggregate classification (germline): Benign. Review status: criteria provided, multiple submitters, no conflicts (2 of 4 stars). 3 submissions from 3 submitters: Benign (3). Last evaluated 2025-06-04.

Allele frequency attached by ClinVar (database versions not stated): 1000 Genomes Project 30x 0.36446; 1000 Genomes Project 0.36621; TOPMed 0.40901; gnomAD 0.42261 and 0.42307; ESP Exome Variant Server 0.42647; gnomAD exomes 0.44975; ExAC 0.48633.
gnomAD v4.1: 783,973 of 1,589,230 alleles (49%); highest among the groups gnomAD compares: Non-Finnish European, 53%; 198,649 homozygotes.

Submissions (3):

Labcorp Genetics (formerly Invitae), Labcorp
Classification: Benign. Last evaluated: 2025-06-04. Review status: criteria provided, single submitter. Criteria: Invitae Variant Classification Sherloc (09022015). Collection method: clinical testing. Allele origin: germline.

GeneDx
Classification: Benign. Last evaluated: 2015-03-03. Review status: criteria provided, single submitter. Criteria: GeneDx Variant Classification Process June 2021. Collection method: clinical testing. Allele origin: germline. Affected: yes.
Comment: This variant is associated with the following publications: (PMID: 16882736)

Breakthrough Genomics
Classification: Benign. Review status: criteria provided, single submitter. Criteria: ACMG Guidelines, 2015. Collection method: not provided. Allele origin: germline. Inheritance: Unknown mechanism. Affected: yes.